The following is an entry in ClinVar:

NM_006019.4(TCIRG1):c.385G>C (p.Ala129Pro)

Gene: TCIRG1 (T cell immune regulator 1, ATPase H+ transporting V0 subunit a3; plus strand). Cytogenetic location: 11q13.2.
Variant type: single nucleotide variant.
Coding change: c.385G>C on transcript NM_006019.4 (MANE Select); coding-DNA position 385, G replaced by C.
Protein change: p.Ala129Pro; replaces alanine 129 with proline.
Molecular consequence: missense variant. On other transcripts: 5 prime UTR variant (1).
Genome position (GRCh38, 1-based): chr11:68,042,831, G>C. VCF-style: chr11-68042831-G-C. GRCh37 (hg19) VCF-style: chr11-67810298-G-C.
Other names: c.-865G>C (NM_001351059.2); short protein forms A129P.
Identifiers: ClinVar variation 3361309 (VCV003361309.3).

ClinVar aggregate classification (germline): Uncertain significance. Review status: criteria provided, multiple submitters, no conflicts (2 of 4 stars). 2 submissions from 2 submitters: Uncertain significance (2). Last evaluated 2024-07-19.

gnomAD v4.1: 3 of 1,548,854 alleles (0.00019%); highest among the groups gnomAD compares: African/African-American, 0.0014%; no homozygotes.

Submissions (2):

Labcorp Genetics (formerly Invitae), Labcorp
Classification: Uncertain significance. Last evaluated: 2024-07-19. Review status: criteria provided, single submitter. Criteria: Invitae Variant Classification Sherloc (09022015). Collection method: clinical testing. Allele origin: germline.
Comment: This sequence change replaces alanine, which is neutral and non-polar, with proline, which is neutral and non-polar, at codon 129 of the TCIRG1 protein (p.Ala129Pro). This variant is not present in population databases (gnomAD no frequency). This variant has not been reported in the literature in individuals affected with TCIRG1-related conditions. Advanced modeling of protein sequence and biophysical properties (such as structural, functional, and spatial information, amino acid conservation, physicochemical variation, residue mobility, and thermodynamic stability) performed at Invitae indicates that this missense variant is not expected to disrupt TCIRG1 protein function with a negative predictive value of 80%. In summary, the available evidence is currently insufficient to determine the role of this variant in disease. Therefore, it has been classified as a Variant of Uncertain Significance.

GeneDx
Classification: Uncertain significance. Last evaluated: 2023-07-27. Review status: criteria provided, single submitter. Criteria: GeneDx Variant Classification Process June 2021. Collection method: clinical testing. Allele origin: germline. Affected: yes.
Comment: Not observed at significant frequency in large population cohorts (gnomAD); In silico analysis supports that this missense variant does not alter protein structure/function; Has not been previously published as pathogenic or benign to our knowledge